The following is an entry in ClinVar:

ClinVar aggregate classification (germline): Uncertain significance (1 of 4 stars; one submission).

Submission:

GeneDx
Classification: Uncertain significance. Last evaluated: 2022-10-24. Review status: criteria provided, single submitter. Criteria: GeneDx Variant Classification Process June 2021. Collection method: clinical testing. Allele origin: germline. Affected: yes.
Comment: Not observed at significant frequency in large population cohorts (gnomAD); In silico analysis supports that this missense variant does not alter protein structure/function; Has not been previously published as pathogenic or benign to our knowledge

NM_001256627.2(BRSK2):c.1948A>G (p.Asn650Asp)

Gene: BRSK2 (BR serine/threonine kinase 2; plus strand). Cytogenetic location: 11p15.5.
Variant type: single nucleotide variant.
Coding change: c.1948A>G on transcript NM_001256627.2 (MANE Select); coding-DNA position 1948, A replaced by G.
Protein change: p.Asn650Asp; replaces asparagine 650 with aspartic acid.
Molecular consequence: missense variant. On other transcripts: non-coding transcript variant (1), intron variant (2).
Genome position (GRCh38, 1-based): chr11:1,459,200, A>G. VCF-style: chr11-1459200-A-G. GRCh37 (hg19) VCF-style: chr11-1480430-A-G.
Other names: c.2086A>G, p.Asn696Asp (NM_001256630.1); c.1948A>G, p.Asn650Asp (NM_003957.4); c.*10-1770A>G (NM_001256629.2, NM_001282218.2); short protein forms N650D, N696D.
Identifiers: ClinVar variation 2499792 (VCV002499792.1), dbSNP rs2539817018, ClinGen allele CA379081558.
Genomic context (GRCh38, chr11:1,459,200, plus strand): 5'-CAGGACAGCCTTTCACTCACTCCCTCCCTCCTCTCTCCATTCTGTACTCCAGACACCACT[A>G]ACTGTATGGAAATGATGACGGGGCGGCTTTCCAAATGTGGTAAGAATCCCCCACGCTCAC-3'
Protein context (NP_001243556.1, residues 640-660): PAAQHLSDTT[Asn650Asp]CMEMMTGRLS